The following is an entry in ClinVar:

ClinVar aggregate classification (germline): Uncertain significance (1 of 4 stars; one submission).

Conditions:
Catecholaminergic polymorphic ventricular tachycardia (CVPT). Also called: Catecholamine-induced polymorphic ventricular tachycardia. Identifiers: Orphanet 3286, MedGen C5574922, MONDO:0017990.

Allele frequency attached by ClinVar (database versions not stated): gnomAD exomes below 0.00001.
gnomAD v4.1: 1 of 1,543,596 alleles (0.000065%); highest among the groups gnomAD compares: Non-Finnish European, 0.000088%; no homozygotes.

Submission:

All of Us Research Program, National Institutes of Health
Classification: Uncertain significance for Catecholaminergic polymorphic ventricular tachycardia. Last evaluated: 2023-11-30. Review status: criteria provided, single submitter. Criteria: ACMG Guidelines, 2015. Collection method: clinical testing. Allele origin: germline. Inheritance: Autosomal dominant inheritance. Observed: 3 variant alleles, 3 heterozygotes.
Comment: This variant causes a C to G nucleotide substitution at the -15 position of intron 23 of the RYR2 gene. To our knowledge, functional studies have not been reported for this variant. This variant has not been reported in individuals affected with RYR2-related disorders in the literature. This variant has not been identified in the general population by the Genome Aggregation Database (gnomAD). The available evidence is insufficient to determine the role of this variant in disease conclusively. Therefore, this variant is classified as a Variant of Uncertain Significance.

This study involves interpretation of variants in research participants for the purpose of population health screening. Participant phenotype was not available at the time of variant classification. Additional details can be found in publication PMID: 35346344, PMCID: PMC8962531

NM_001035.3(RYR2):c.2719-15C>G

Gene: RYR2 (ryanodine receptor 2; plus strand). Cytogenetic location: 1q43.
Variant type: single nucleotide variant.
Coding change: c.2719-15C>G on transcript NM_001035.3 (MANE Select); 15 bases into the intron before coding-DNA position 2719, C replaced by G.
Molecular consequence: intron variant.
Genome position (GRCh38, 1-based): chr1:237,511,673, C>G. VCF-style: chr1-237511673-C-G. GRCh37 (hg19) VCF-style: chr1-237674973-C-G.
Identifiers: ClinVar variation 3073255 (VCV003073255.1), dbSNP rs1016329560, ClinGen allele CA39784352.
Genomic context (GRCh38, chr1:237,511,673, plus strand): 5'-TACCACACAGTTGAATTCCATTGCTAGTGCCTGGCATTGGAGACTATTTTATGTCAATTT[C>G]CTGTCCTGTTTCAGGTTAGAGATGACAACAAGAGACAACACCCATGCCTGGTGGAGTTCT-3'